The following is an entry in ClinVar:

ClinVar aggregate classification (germline): Likely benign (1 of 4 stars; one submission).

Allele frequency attached by ClinVar (database versions not stated): ExAC 0.00013; gnomAD 0.00014; TOPMed 0.00023; ESP Exome Variant Server 0.00038; 1000 Genomes Project 0.00040; 1000 Genomes Project 30x 0.00047.
gnomAD v4.1: 308 of 1,614,142 alleles (0.019%); highest among the groups gnomAD compares: Middle Eastern, 0.16%; no homozygotes.

Submission:

CeGaT Center for Human Genetics Tuebingen
Classification: Likely benign. Last evaluated: 2023-06-01. Review status: criteria provided, single submitter. Criteria: CeGaT Center For Human Genetics Tuebingen Variant Classification Criteria Version 2. Collection method: clinical testing. Allele origin: germline. Affected: yes. Observed: 1 variant allele.
Comment: HERC2: BP4, BP7

NM_004667.6(HERC2):c.10458G>A (p.Pro3486=)

Gene: HERC2 (HECT and RLD domain containing E3 ubiquitin protein ligase 2; minus strand). Cytogenetic location: 15q13.1.
Variant type: single nucleotide variant.
Coding change: c.10458G>A on transcript NM_004667.6 (MANE Select); coding-DNA position 10458, G replaced by A.
Protein change: p.Pro3486=; no amino-acid change (proline 3486 retained).
Molecular consequence: synonymous variant.
Genome position (GRCh38, 1-based): chr15:28,167,783, C>T on the plus strand (G>A on the coding strand, the complement: HERC2 is on the minus strand). VCF-style: chr15-28167783-C-T. GRCh37 (hg19) VCF-style: chr15-28412929-C-T.
Identifiers: ClinVar variation 2645048 (VCV002645048.24), dbSNP rs138954615, ClinGen allele CA7440831.